The following is an entry in ClinVar:

ClinVar aggregate classification (germline): Uncertain significance (1 of 4 stars; one submission).

Conditions:
Hypertrophic cardiomyopathy 26. Also called: Cardiomyopathy, familial hypertrophic, 26. Identifiers: Orphanet 75249, MedGen C4310749, MONDO:0014883, OMIM 617047.
Distal myopathy with posterior leg and anterior hand involvement. Also called: WILLIAMS DISTAL MYOPATHY. Identifiers: Orphanet 63273, MedGen C3279722, MONDO:0013550, OMIM 614065.
Myofibrillar myopathy 5. Also called: FILAMINOPATHY, AUTOSOMAL DOMINANT; Filaminopathy (type). Identifiers: Orphanet 171445, MedGen C1836050, MONDO:0012289, OMIM 609524.

Submission:

Labcorp Genetics (formerly Invitae), Labcorp
Classification: Uncertain significance for Distal myopathy with posterior leg and anterior hand involvement; Myofibrillar myopathy 5; Hypertrophic cardiomyopathy 26. Last evaluated: 2020-04-06. Review status: criteria provided, single submitter. Criteria: Invitae Variant Classification Sherloc (09022015). Collection method: clinical testing. Allele origin: germline.
Comment: This variant has not been reported in the literature in individuals with FLNC-related conditions. This variant is not present in population databases (ExAC no frequency). This sequence change replaces serine with alanine at codon 2607 of the FLNC protein (p.Ser2607Ala). The serine residue is highly conserved and there is a moderate physicochemical difference between serine and alanine. In summary, the available evidence is currently insufficient to determine the role of this variant in disease. Therefore, it has been classified as a Variant of Uncertain Significance. Algorithms developed to predict the effect of sequence changes on RNA splicing suggest that this variant may create or strengthen a splice site, but this prediction has not been confirmed by published transcriptional studies. Algorithms developed to predict the effect of missense changes on protein structure and function are either unavailable or do not agree on the potential impact of this missense change (SIFT: "Deleterious"; PolyPhen-2: "Probably Damaging"; Align-GVGD: "Class C0").

NM_001458.5(FLNC):c.7819T>G (p.Ser2607Ala)

Genes: FLNC (filamin C; plus strand), FLNC-AS1 (FLNC antisense RNA 1; minus strand). Cytogenetic location: 7q32.1.
Variant type: single nucleotide variant.
Coding change: c.7819T>G on transcript NM_001458.5 (MANE Select); coding-DNA position 7819, T replaced by G.
Protein change: p.Ser2607Ala; replaces serine 2607 with alanine.
Molecular consequence: missense variant.
Genome position (GRCh38, 1-based): chr7:128,858,046, T>G. VCF-style: chr7-128858046-T-G. GRCh37 (hg19) VCF-style: chr7-128498100-T-G.
Other names: c.7720T>G, p.Ser2574Ala (NM_001127487.2); short protein forms S2574A, S2607A.
Identifiers: ClinVar variation 1037057 (VCV001037057.9), dbSNP rs1809143753, ClinGen allele CA369220078.